The following is an entry in ClinVar:

ClinVar aggregate classification (germline): Uncertain significance (1 of 4 stars; one submission).

gnomAD v4.1: 2 of 1,613,472 alleles (0.00012%); highest among the groups gnomAD compares: African/African-American, 0.0027%; no homozygotes.

Submission:

Labcorp Genetics (formerly Invitae), Labcorp
Classification: Uncertain significance. Last evaluated: 2025-05-09. Review status: criteria provided, single submitter. Criteria: Invitae Variant Classification Sherloc (09022015). Collection method: clinical testing. Allele origin: germline.
Comment: This sequence change replaces glycine, which is neutral and non-polar, with serine, which is neutral and polar, at codon 6 of the IKZF1 protein (p.Gly6Ser). This variant is not present in population databases (gnomAD no frequency). This variant has not been reported in the literature in individuals affected with IKZF1-related conditions. An algorithm developed to predict the effect of missense changes on protein structure and function outputs the following: PolyPhen-2: "Benign". The serine amino acid residue is found in multiple mammalian species, which suggests that this missense change does not adversely affect protein function. In summary, the available evidence is currently insufficient to determine the role of this variant in disease. Therefore, it has been classified as a Variant of Uncertain Significance.

NM_006060.6(IKZF1):c.16G>A (p.Gly6Ser)

Gene: IKZF1 (IKAROS family zinc finger 1; plus strand). Cytogenetic location: 7p12.2.
Variant type: single nucleotide variant.
Coding change: c.16G>A on transcript NM_006060.6 (MANE Select); coding-DNA position 16, G replaced by A.
Protein change: p.Gly6Ser; replaces glycine 6 with serine.
Molecular consequence: missense variant.
Genome position (GRCh38, 1-based): chr7:50,319,077, G>A. VCF-style: chr7-50319077-G-A. GRCh37 (hg19) VCF-style: chr7-50358673-G-A.
Other names: c.16G>A, p.Gly6Ser (NM_001220765.3, NM_001220767.2, NM_001220768.2 and 14 more transcripts); short protein forms G6S.
Identifiers: ClinVar variation 4799651 (VCV004799651.1).
Genomic context (GRCh38, chr7:50,319,077, plus strand): 5'-TTAAACTAAAATCCCTTCCTCTCTTTCTCAGATAACCTGAGGACCATGGATGCTGATGAG[G>A]GTCAAGACATGTCCCAAGTTTCAGGTGAGACCTTATGAGATAGCTGTGTGGGAAGTTCAT-3'
Protein context (NP_006051.1, residues 1-16): MDADE[Gly6Ser]QDMSQVSGKE